The following is an entry in ClinVar:

NM_000388.4(CASR):c.1733-9A>G

Gene: CASR (calcium sensing receptor; plus strand). Cytogenetic location: 3q21.1.
Variant type: single nucleotide variant.
Coding change: c.1733-9A>G on transcript NM_000388.4 (MANE Select); 9 bases into the intron before coding-DNA position 1733, A replaced by G.
Molecular consequence: intron variant.
Genome position (GRCh38, 1-based): chr3:122,283,678, A>G. VCF-style: chr3-122283678-A-G. GRCh37 (hg19) VCF-style: chr3-122002525-A-G.
Other names: p.?; c.1763-9A>G (NM_001178065.2).
Identifiers: ClinVar variation 257606 (VCV000257606.26), dbSNP rs190731787, ClinGen allele CA2569740.

ClinVar aggregate classification (germline): Conflicting classifications of pathogenicity. Review status: criteria provided, conflicting classifications (1 of 4 stars). 10 submissions from 7 submitters: Uncertain significance (3); Benign (3); Likely benign (4). Last evaluated 2026-06-18.

Conditions:
Autosomal dominant hypocalcemia 1 (HYPOC1). Also called: HYPOCALCEMIA, FAMILIAL. Identifiers: MedGen C3715128, MONDO:0011013, OMIM 601198.
Familial hypocalciuric hypercalcemia (FHH). Also called: Familial benign hypercalcemia. Identifiers: Orphanet 405, MedGen C1809471, MONDO:0018458.
Familial hypocalciuric hypercalcemia 1. Also called: Hypercalcemia, familial benign type 1. Identifiers: Orphanet 405, Orphanet 93372, MedGen C0342637, MONDO:0007791, OMIM 145980.
Neonatal severe primary hyperparathyroidism. Identifiers: Orphanet 417, MedGen C1832615, MONDO:0009397, OMIM 239200.
Familial hypoparathyroidism. Also called: Familial isolated hypoparathyroidism. Identifiers: Orphanet 2238, MedGen C1832648, MONDO:0016390.

Allele frequency attached by ClinVar (database versions not stated): ESP Exome Variant Server 0.00008; TOPMed 0.00012; gnomAD 0.00044; gnomAD exomes 0.00045 and 0.00092; 1000 Genomes Project 30x 0.00062; 1000 Genomes Project 0.00080; ExAC 0.00105.
gnomAD v4.1: 746 of 1,612,648 alleles (0.046%); highest among the groups gnomAD compares: East Asian, 0.12%; 2 homozygotes.

Submissions (10):

Women's Health and Genetics/Laboratory Corporation of America, LabCorp
Classification: Benign. Last evaluated: 2026-06-18. Review status: criteria provided, single submitter. Criteria: LabCorp Variant Classification Summary - May 2015. Collection method: clinical testing. Allele origin: germline.
Comment: Variant summary: CASR c.1733-9A>G alters a conserved nucleotide located at a position not widely known to affect splicing. Consensus agreement among computation tools predict no significant impact on normal splicing. However, these predictions have yet to be confirmed by functional studies. The variant allele was found at a frequency of 0.00092 in 250998 control chromosomes, predominantly at a frequency of 0.00072 within the Non-Finnish European subpopulation in the gnomAD database. The observed variant frequency within Non-Finnish European control individuals in the gnomAD database exceeds the estimated maximal expected allele frequency for disease-causing variants in CASR. To our knowledge, no occurrence of c.1733-9A>G in individuals affected with CASR-related conditions and no experimental evidence demonstrating its impact on protein function have been reported. ClinVar contains an entry for this variant (Variation ID: 257606). Based on the evidence outlined above, the variant was classified as benign.

Labcorp Genetics (formerly Invitae), Labcorp
Classification: Benign for Familial hypocalciuric hypercalcemia; Autosomal dominant hypocalcemia 1. Last evaluated: 2025-12-06. Review status: criteria provided, single submitter. Criteria: Invitae Variant Classification Sherloc (09022015). Collection method: clinical testing. Allele origin: germline.

Mayo Clinic Laboratories, Mayo Clinic
Classification: Likely benign. Last evaluated: 2025-07-20. Review status: criteria provided, single submitter. Criteria: ACMG Guidelines, 2015. Collection method: clinical testing. Allele origin: germline. Observed: 3 variant alleles.
Comment: BP4, BP7

Center for Genomic Medicine, Rigshospitalet, Copenhagen University Hospital
Classification: Likely benign. Last evaluated: 2025-03-04. Review status: criteria provided, single submitter. Criteria: ACMG Guidelines, 2015. Collection method: clinical testing. Allele origin: germline.

Blueprint Genetics
Classification: Likely benign. Last evaluated: 2024-09-06. Review status: criteria provided, single submitter. Criteria: ACMG Guidelines, 2015. Collection method: clinical testing. Allele origin: germline.

Illumina Laboratory Services, Illumina
Classification: Uncertain significance for Autosomal dominant hypocalcemia 1. Last evaluated: 2018-01-13. Review status: criteria provided, single submitter. Criteria: ICSL Variant Classification Criteria 13 December 2019. Collection method: clinical testing. Allele origin: germline.

Illumina Laboratory Services, Illumina
Classification: Uncertain significance for Neonatal severe primary hyperparathyroidism. Last evaluated: 2018-01-13. Review status: criteria provided, single submitter. Criteria: ICSL Variant Classification Criteria 13 December 2019. Collection method: clinical testing. Allele origin: germline.

Illumina Laboratory Services, Illumina
Classification: Uncertain significance for Familial hypocalciuric hypercalcemia 1. Last evaluated: 2018-01-13. Review status: criteria provided, single submitter. Criteria: ICSL Variant Classification Criteria 13 December 2019. Collection method: clinical testing. Allele origin: germline.

Illumina Laboratory Services, Illumina
Classification: Benign for Familial isolated hypoparathyroidism. Last evaluated: 2018-01-13. Review status: criteria provided, single submitter. Criteria: ICSL Variant Classification Criteria 13 December 2019. Collection method: clinical testing. Allele origin: germline.
Comment: This variant was observed in the ICSL laboratory as part of a predisposition screen in an ostensibly healthy population. It had not been previously curated by ICSL or reported in the Human Gene Mutation Database (HGMD: prior to June 1st, 2018), and was therefore a candidate for classification through an automated scoring system. Utilizing variant allele frequency, disease prevalence and penetrance estimates, and inheritance mode, an automated score was calculated to assess if this variant is too frequent to cause the disease. Based on the score and internal cut-off values, a variant classified as benign is not then subjected to further curation. The score for this variant resulted in a classification of benign for this disease.

PreventionGenetics, part of Exact Sciences
Classification: Likely benign. Review status: criteria provided, single submitter. Criteria: ACMG Guidelines, 2015. Collection method: clinical testing. Allele origin: germline.